The following is an entry in ClinVar:

NM_006147.4(IRF6):c.965A>G (p.Tyr322Cys)

Gene: IRF6 (interferon regulatory factor 6; minus strand). Cytogenetic location: 1q32.2.
Variant type: single nucleotide variant.
Coding change: c.965A>G on transcript NM_006147.4 (MANE Select); coding-DNA position 965, A replaced by G.
Protein change: p.Tyr322Cys; replaces tyrosine 322 with cysteine.
Molecular consequence: missense variant.
Genome position (GRCh38, 1-based): chr1:209,790,590, T>C on the plus strand (A>G on the coding strand, the complement: IRF6 is on the minus strand). VCF-style: chr1-209790590-T-C. GRCh37 (hg19) VCF-style: chr1-209963935-T-C.
Other names: c.680A>G, p.Tyr227Cys (NM_001206696.2); short protein forms Y227C, Y322C.
Identifiers: ClinVar variation 1679124 (VCV001679124.2), dbSNP rs2102536871, ClinGen allele CA344575530.

ClinVar aggregate classification (germline): Likely pathogenic (1 of 4 stars; one submission).

Conditions:
Van der Woude syndrome 1. Also called: CLEFT LIP AND/OR PALATE WITH MUCOUS CYSTS OF LOWER LIP; van der Woude Syndrome (VWS). Identifiers: MedGen C4551864, MONDO:0007333, OMIM 119300.

Submission:

Institute of Human Genetics, University of Leipzig Medical Center
Classification: Likely pathogenic for Van der Woude syndrome 1. Last evaluated: 2026-04-08. Review status: criteria provided, single submitter. Criteria: ACMG Guidelines, 2015. Collection method: clinical testing. Allele origin: unknown. Inheritance: Autosomal dominant inheritance. Affected: yes.
Comment: Criteria applied: PM1,PM2,PS4_SUP,PP2,PP3